The following is an entry in ClinVar:

ClinVar aggregate classification (germline): Uncertain significance (1 of 4 stars; one submission).

Conditions:
Neuropathy, hereditary motor and sensory, type 6B (HMSN6B). Also called: HMSN VIB; CHARCOT-MARIE-TOOTH DISEASE, TYPE 6B; Neuropathy, hereditary motor and sensory, type VIB; NEUROPATHY, HEREDITARY MOTOR AND SENSORY, TYPE VIB, WITH OPTIC ATROPHY. Identifiers: MedGen C4225302, MONDO:0014671, OMIM 616505.

Allele frequency attached by ClinVar (database versions not stated): gnomAD exomes below 0.00001.
gnomAD v4.1: 6 of 1,603,764 alleles (0.00037%); highest among the groups gnomAD compares: Non-Finnish European, 0.00051%; no homozygotes.

Submission:

Labcorp Genetics (formerly Invitae), Labcorp
Classification: Uncertain significance for Neuropathy, hereditary motor and sensory, type 6B. Last evaluated: 2020-07-02. Review status: criteria provided, single submitter. Criteria: Invitae Variant Classification Sherloc (09022015). Collection method: clinical testing. Allele origin: germline.
Comment: In summary, the available evidence is currently insufficient to determine the role of this variant in disease. Therefore, it has been classified as a Variant of Uncertain Significance. This variant has not been reported in the literature in individuals with SLC25A46-related disease. This variant is not present in population databases (ExAC no frequency). This sequence change disrupts the translational stop signal of the SLC25A46 mRNA. It is expected to extend the length of the SLC25A46 protein by 8 additional amino acid residues.

NM_138773.4(SLC25A46):c.1256G>C (p.Ter419Ser)

Gene: SLC25A46 (solute carrier family 25 member 46; plus strand). Cytogenetic location: 5q22.1.
Variant type: single nucleotide variant.
Coding change: c.1256G>C on transcript NM_138773.4 (MANE Select); coding-DNA position 1256, G replaced by C.
Protein change: p.Ter419Ser.
Molecular consequence: stop lost. On other transcripts: non-coding transcript variant (1).
Genome position (GRCh38, 1-based): chr5:110,761,781, G>C. VCF-style: chr5-110761781-G-C. GRCh37 (hg19) VCF-style: chr5-110097481-G-C.
Other names: c.1013G>C, p.Ter338Ser (NM_001303249.3); c.983G>C, p.Ter328Ser (NM_001303250.3).
Identifiers: ClinVar variation 1060918 (VCV001060918.9), dbSNP rs1365339601, ClinGen allele CA360698000.
Genomic context (GRCh38, chr5:110,761,781, plus strand): 5'-ATGCAGCTGTTTTACAGATTACCAAAATTATTTACTCTACACTTCTTCAAAATAACATTT[G>C]AGATTTAGGTTCCTTCACTGAGTAGTCTGGAAGATATAATCTGGATAATTTGCTATGAAG-3'